The following is an entry in ClinVar:

NM_005263.5(GFI1):c.1170C>A (p.His390Gln)

Genes: GFI1 (growth factor independent 1 transcriptional repressor; minus strand), LOC129930930 (ATAC-STARR-seq lymphoblastoid active region 1314; plus strand). Cytogenetic location: 1p22.1.
Variant type: single nucleotide variant.
Coding change: c.1170C>A on transcript NM_005263.5 (MANE Select); coding-DNA position 1170, C replaced by A.
Protein change: p.His390Gln; replaces histidine 390 with glutamine.
Molecular consequence: missense variant.
Genome position (GRCh38, 1-based): chr1:92,476,128, G>T on the plus strand (C>A on the coding strand, the complement: GFI1 is on the minus strand). VCF-style: chr1-92476128-G-T. GRCh37 (hg19) VCF-style: chr1-92941685-G-T.
Other names: c.1170C>A, p.His390Gln (NM_001127215.3, NM_001127216.3); short protein forms H390Q.
Identifiers: ClinVar variation 3662014 (VCV003662014.2).

ClinVar aggregate classification (germline): Uncertain significance (1 of 4 stars; one submission).

Conditions:
Neutropenia, severe congenital, 2, autosomal dominant. Identifiers: Orphanet 486, MedGen C2751288, MONDO:0013139, OMIM 613107.

Submission:

Labcorp Genetics (formerly Invitae), Labcorp
Classification: Uncertain significance for Neutropenia, severe congenital, 2, autosomal dominant. Last evaluated: 2024-08-21. Review status: criteria provided, single submitter. Criteria: Invitae Variant Classification Sherloc (09022015). Collection method: clinical testing. Allele origin: germline.
Comment: This sequence change replaces histidine, which is basic and polar, with glutamine, which is neutral and polar, at codon 390 of the GFI1 protein (p.His390Gln). This variant is not present in population databases (gnomAD no frequency). This variant has not been reported in the literature in individuals affected with GFI1-related conditions. Invitae Evidence Modeling of protein sequence and biophysical properties (such as structural, functional, and spatial information, amino acid conservation, physicochemical variation, residue mobility, and thermodynamic stability) indicates that this missense variant is expected to disrupt GFI1 protein function with a positive predictive value of 80%. In summary, the available evidence is currently insufficient to determine the role of this variant in disease. Therefore, it has been classified as a Variant of Uncertain Significance.